The following is an entry in ClinVar:

ClinVar aggregate classification (germline): Likely benign (1 of 4 stars; one submission).

Allele frequency attached by ClinVar (database versions not stated): 1000 Genomes Project 0.00300; 1000 Genomes Project 30x 0.00312; TOPMed 0.00609; gnomAD 0.00617; gnomAD exomes 0.00884; ESP Exome Variant Server 0.00893; ExAC 0.01453.
gnomAD v4.1: 13,604 of 1,590,650 alleles (0.86%); highest among the groups gnomAD compares: Non-Finnish European, 0.96%; 59 homozygotes.

Submission:

CeGaT Center for Human Genetics Tuebingen
Classification: Likely benign. Last evaluated: 2023-04-01. Review status: criteria provided, single submitter. Criteria: CeGaT Center For Human Genetics Tuebingen Variant Classification Criteria Version 2. Collection method: clinical testing. Allele origin: germline. Affected: yes. Observed: 1 variant allele.
Comment: CEP162: BP4, BS2

NM_014895.4(CEP162):c.277A>G (p.Ser93Gly)

Gene: CEP162 (centrosomal protein 162; minus strand). Cytogenetic location: 6q14.3.
Variant type: single nucleotide variant.
Coding change: c.277A>G on transcript NM_014895.4 (MANE Select); coding-DNA position 277, A replaced by G.
Protein change: p.Ser93Gly; replaces serine 93 with glycine.
Molecular consequence: missense variant.
Genome position (GRCh38, 1-based): chr6:84,215,818, T>C on the plus strand (A>G on the coding strand, the complement: CEP162 is on the minus strand). VCF-style: chr6-84215818-T-C. GRCh37 (hg19) VCF-style: chr6-84925536-T-C.
Other names: c.49A>G, p.Ser17Gly (NM_001286206.2); short protein forms S17G, S93G.
Identifiers: ClinVar variation 2656730 (VCV002656730.24), dbSNP rs144260749, ClinGen allele CA3910683.